The following is an entry in ClinVar:

ClinVar aggregate classification (germline): Uncertain significance (1 of 4 stars; one submission).

Allele frequency attached by ClinVar (database versions not stated): ExAC 0.00001.
gnomAD v4.1: 3 of 1,614,084 alleles (0.00019%); highest among the groups gnomAD compares: Non-Finnish European, 0.00025%; no homozygotes.

Submission:

CeGaT Center for Human Genetics Tuebingen
Classification: Uncertain significance. Last evaluated: 2024-11-01. Review status: criteria provided, single submitter. Criteria: CeGaT Center For Human Genetics Tuebingen Variant Classification Criteria Version 2. Collection method: clinical testing. Allele origin: germline. Affected: yes. Observed: 2 variant alleles.
Comment: COL4A2: PM2:Supporting

NM_001846.4(COL4A2):c.287C>T (p.Pro96Leu)

Gene: COL4A2 (collagen type IV alpha 2 chain; plus strand). Cytogenetic location: 13q34.
Variant type: single nucleotide variant.
Coding change: c.287C>T on transcript NM_001846.4 (MANE Select); coding-DNA position 287, C replaced by T.
Protein change: p.Pro96Leu; replaces proline 96 with leucine.
Molecular consequence: missense variant.
Genome position (GRCh38, 1-based): chr13:110,424,840, C>T. VCF-style: chr13-110424840-C-T. GRCh37 (hg19) VCF-style: chr13-111077187-C-T.
Other names: short protein forms P96L.
Identifiers: ClinVar variation 2672549 (VCV002672549.23), dbSNP rs748157227, ClinGen allele CA7048821.